The following is an entry in ClinVar:

NM_000179.3(MSH6):c.1621A>G (p.Ser541Gly)

Gene: MSH6 (mutS homolog 6; plus strand). Cytogenetic location: 2p16.3.
Variant type: single nucleotide variant.
Coding change: c.1621A>G on transcript NM_000179.3 (MANE Select); coding-DNA position 1621, A replaced by G.
Protein change: p.Ser541Gly; replaces serine 541 with glycine.
Molecular consequence: missense variant.
Genome position (GRCh38, 1-based): chr2:47,799,604, A>G. VCF-style: chr2-47799604-A-G. GRCh37 (hg19) VCF-style: chr2-48026743-A-G.
Other names: c.1231A>G, p.Ser411Gly (NM_001281492.2); c.715A>G, p.Ser239Gly (NM_001281493.2, NM_001281494.2); short protein forms S239G, S411G, S541G.
Identifiers: ClinVar variation 639152 (VCV000639152.14), dbSNP rs587779778, ClinGen allele CA067945.

ClinVar aggregate classification (germline): Conflicting classifications of pathogenicity. Review status: criteria provided, conflicting classifications (1 of 4 stars). 3 submissions from 3 submitters: Uncertain significance (2); Benign (1). Last evaluated 2025-08-09.

Conditions:
Hereditary cancer-predisposing syndrome. Also called: Neoplastic Syndromes, Hereditary; Tumor predisposition; Hereditary Cancer Syndrome; Hereditary neoplastic syndrome. Identifiers: Orphanet 140162, MedGen C0027672, MeSH D009386, MONDO:0015356.
Hereditary nonpolyposis colorectal neoplasms. Identifiers: MedGen C0009405, MeSH D003123.

gnomAD v4.1: 7 of 1,614,190 alleles (0.00043%); highest among the groups gnomAD compares: South Asian, 0.0055%; no homozygotes.

Submissions (3):

Labcorp Genetics (formerly Invitae), Labcorp
Classification: Benign for Hereditary nonpolyposis colorectal neoplasms. Last evaluated: 2025-08-09. Review status: criteria provided, single submitter. Criteria: Invitae Variant Classification Sherloc (09022015). Collection method: clinical testing. Allele origin: germline.

Ambry Genetics
Classification: Uncertain significance for Hereditary cancer-predisposing syndrome. Last evaluated: 2024-03-15. Review status: criteria provided, single submitter. Criteria: Ambry Variant Classification Scheme 2023. Collection method: clinical testing. Allele origin: germline.
Comment: The p.S541G variant (also known as c.1621A>G), located in coding exon 4 of the MSH6 gene, results from an A to G substitution at nucleotide position 1621. The serine at codon 541 is replaced by glycine, an amino acid with similar properties. This amino acid position is well conserved in available vertebrate species. In addition, this alteration is predicted to be tolerated by in silico analysis. Based on the available evidence, the clinical significance of this alteration remains unclear.

Color Diagnostics, LLC DBA Color Health
Classification: Uncertain significance for Hereditary cancer-predisposing syndrome. Last evaluated: 2019-06-20. Review status: criteria provided, single submitter. Criteria: ACMG Guidelines, 2015. Collection method: clinical testing. Allele origin: germline.